The following is an entry in ClinVar:

ClinVar aggregate classification (germline): Pathogenic. Review status: criteria provided, multiple submitters, no conflicts (2 of 4 stars). 2 submissions from 2 submitters: Pathogenic (2). Last evaluated 2025-12-04.

Conditions:
USH2A-related disorder. Also called: USH2A-related condition; USH2A-related disorders. Identifiers: MedGen CN239332.

Submissions (2):

Myriad Genetics, Inc.
Classification: Pathogenic for USH2A-related disorder. Last evaluated: 2025-12-04. Review status: criteria provided, single submitter. Criteria: Myriad Autosomal Dominant, Autosomal Recessive and X-Linked Classification Criteria (2023). Collection method: clinical testing. Allele origin: unknown.
Comment: NM_206933.2(USH2A):c.271A>T(R91*) is a nonsense variant classified as pathogenic in the context of USH2A-related disorders. R91* has not been observed in cases with relevant disease. Relevant functional assessments of this variant are not available in the literature. R91* has not been observed in referenced population frequency databases. In summary, NM_206933.2(USH2A):c.271A>T(R91*) is a nonsense variant in a gene where loss of function is a known mechanism of disease and is predicted to disrupt protein function. Please note: this variant was assessed in the context of healthy population screening.

Labcorp Genetics (formerly Invitae), Labcorp
Classification: Pathogenic. Last evaluated: 2024-08-20. Review status: criteria provided, single submitter. Criteria: Invitae Variant Classification Sherloc (09022015). Collection method: clinical testing. Allele origin: germline.
Comment: This sequence change creates a premature translational stop signal (p.Arg91*) in the USH2A gene. It is expected to result in an absent or disrupted protein product. Loss-of-function variants in USH2A are known to be pathogenic (PMID: 10729113, 10909849, 20507924, 25649381). This variant is not present in population databases (gnomAD no frequency). This variant has not been reported in the literature in individuals affected with USH2A-related conditions. For these reasons, this variant has been classified as Pathogenic.

Literature cited by the submitters: PubMed 10729113 (cited by Labcorp Genetics (formerly Invitae), Labcorp); PubMed 10909849 (cited by Labcorp Genetics (formerly Invitae), Labcorp); PubMed 20507924 (cited by Labcorp Genetics (formerly Invitae), Labcorp); PubMed 25649381 (cited by Labcorp Genetics (formerly Invitae), Labcorp).

NM_206933.4(USH2A):c.271A>T (p.Arg91Ter)

Gene: USH2A (usherin; minus strand). Cytogenetic location: 1q41.
Variant type: single nucleotide variant.
Coding change: c.271A>T on transcript NM_206933.4 (MANE Select); coding-DNA position 271, A replaced by T.
Protein change: p.Arg91Ter; replaces arginine 91 with a stop codon.
Molecular consequence: nonsense.
Genome position (GRCh38, 1-based): chr1:216,422,066, T>A on the plus strand (A>T on the coding strand, the complement: USH2A is on the minus strand). VCF-style: chr1-216422066-T-A. GRCh37 (hg19) VCF-style: chr1-216595408-T-A.
Other names: c.271A>T, p.Arg91Ter (NM_007123.6); short protein forms R91*.
Identifiers: ClinVar variation 2810698 (VCV002810698.4), dbSNP rs2527654487, ClinGen allele CA344904325.